The following is an entry in ClinVar:

ClinVar aggregate classification (germline): Uncertain significance (1 of 4 stars; one submission).

gnomAD v4.1: 1 of 1,610,132 alleles (0.000062%); highest among the groups gnomAD compares: Non-Finnish European, 0.000085%; no homozygotes.

Submission:

Labcorp Genetics (formerly Invitae), Labcorp
Classification: Uncertain significance. Last evaluated: 2025-01-27. Review status: criteria provided, single submitter. Criteria: Invitae Variant Classification Sherloc (09022015). Collection method: clinical testing. Allele origin: germline.
Comment: This sequence change replaces threonine, which is neutral and polar, with proline, which is neutral and non-polar, at codon 209 of the KMT2E protein (p.Thr209Pro). This variant is not present in population databases (gnomAD no frequency). This variant has not been reported in the literature in individuals affected with KMT2E-related conditions. Invitae Evidence Modeling of protein sequence and biophysical properties (such as structural, functional, and spatial information, amino acid conservation, physicochemical variation, residue mobility, and thermodynamic stability) indicates that this missense variant is expected to disrupt KMT2E protein function with a positive predictive value of 80%. In summary, the available evidence is currently insufficient to determine the role of this variant in disease. Therefore, it has been classified as a Variant of Uncertain Significance.

NM_182931.3(KMT2E):c.625A>C (p.Thr209Pro)

Gene: KMT2E (lysine methyltransferase 2E (inactive); plus strand). Cytogenetic location: 7q22.3.
Variant type: single nucleotide variant.
Coding change: c.625A>C on transcript NM_182931.3 (MANE Select); coding-DNA position 625, A replaced by C.
Protein change: p.Thr209Pro; replaces threonine 209 with proline.
Molecular consequence: missense variant.
Genome position (GRCh38, 1-based): chr7:105,074,711, A>C. VCF-style: chr7-105074711-A-C. GRCh37 (hg19) VCF-style: chr7-104715158-A-C.
Other names: c.625A>C, p.Thr209Pro (NM_001410908.1, NM_018682.4); short protein forms T209P.
Identifiers: ClinVar variation 3661453 (VCV003661453.2).
Genomic context (GRCh38, chr7:105,074,711, plus strand): 5'-ACCAGTGCAACTGAGAGTGGTGATGAGGTTCCTGTGGAATTATATACTGCATTTCAGCAT[A>C]CTCCAACATCAATTACTTTAACTGCTTCAAGAGTTTCCAAAGTTAATGATAAAAGAAGGA-3'
Protein context (NP_891847.1, residues 199-219): PVELYTAFQH[Thr209Pro]PTSITLTASR